The following is an entry in ClinVar:

NM_005502.4(ABCA1):c.6521A>C (p.Asn2174Thr)

Genes: ABCA1 (ATP binding cassette subfamily A member 1; minus strand), NIPSNAP3B (nipsnap homolog 3B; plus strand). Cytogenetic location: 9q31.1.
Variant type: single nucleotide variant.
Coding change: c.6521A>C on transcript NM_005502.4 (MANE Select); coding-DNA position 6521, A replaced by C.
Protein change: p.Asn2174Thr; replaces asparagine 2174 with threonine.
Molecular consequence: missense variant.
Genome position (GRCh38, 1-based): chr9:104,785,520, T>G on the plus strand (A>C on the coding strand, the complement: ABCA1 is on the minus strand). VCF-style: chr9-104785520-T-G. GRCh37 (hg19) VCF-style: chr9-107547801-T-G.
Other names: c.6521A>C (NM_005502.3); short protein forms N2174T.
Identifiers: ClinVar variation 1954239 (VCV001954239.6), dbSNP rs1828847637, ClinGen allele CA374311427.

ClinVar aggregate classification (germline): Uncertain significance. Review status: criteria provided, multiple submitters, no conflicts (2 of 4 stars). 2 submissions from 2 submitters: Uncertain significance (2). Last evaluated 2026-01-12.

Conditions:
Cardiovascular phenotype. Identifiers: MedGen CN230736.

gnomAD v4.1: 21 of 1,614,170 alleles (0.0013%); highest among the groups gnomAD compares: Non-Finnish European, 0.0017%; no homozygotes.

Submissions (2):

Ambry Genetics
Classification: Uncertain significance for Cardiovascular phenotype. Last evaluated: 2026-01-12. Review status: criteria provided, single submitter. Criteria: Ambry Variant Classification Scheme 2023. Collection method: clinical testing. Allele origin: germline.
Comment: The p.N2174T variant (also known as c.6521A>C), located in coding exon 48 of the ABCA1 gene, results from an A to C substitution at nucleotide position 6521. The asparagine at codon 2174 is replaced by threonine, an amino acid with similar properties. This amino acid position is conserved. In addition, this alteration is predicted to be tolerated by in silico analysis. Based on the available evidence, the clinical significance of this variant remains unclear.

Labcorp Genetics (formerly Invitae), Labcorp
Classification: Uncertain significance. Last evaluated: 2022-05-04. Review status: criteria provided, single submitter. Criteria: Invitae Variant Classification Sherloc (09022015). Collection method: clinical testing. Allele origin: germline.
Comment: In summary, the available evidence is currently insufficient to determine the role of this variant in disease. Therefore, it has been classified as a Variant of Uncertain Significance. Advanced modeling of protein sequence and biophysical properties (such as structural, functional, and spatial information, amino acid conservation, physicochemical variation, residue mobility, and thermodynamic stability) performed at Invitae indicates that this missense variant is not expected to disrupt ABCA1 protein function. This missense change has been observed in individual(s) with clinical features of dyslipidemia (PMID: 32041611). This variant is not present in population databases (gnomAD no frequency). This sequence change replaces asparagine, which is neutral and polar, with threonine, which is neutral and polar, at codon 2174 of the ABCA1 protein (p.Asn2174Thr).

Literature cited by the submitters: PubMed 32041611 (cited by Labcorp Genetics (formerly Invitae), Labcorp).